The following is an entry in ClinVar:

ClinVar aggregate classification (germline): Uncertain significance. Review status: criteria provided, multiple submitters, no conflicts (2 of 4 stars). 2 submissions from 2 submitters: Uncertain significance (2). Last evaluated 2024-10-06.

Allele frequency attached by ClinVar (database versions not stated): ESP Exome Variant Server 0.00008; gnomAD 0.00013 and 0.00014; TOPMed 0.00014; 1000 Genomes Project 30x 0.00016; 1000 Genomes Project 0.00020.
gnomAD v4.1: 42 of 1,613,702 alleles (0.0026%); highest among the groups gnomAD compares: African/African-American, 0.047%; no homozygotes.

Submissions (2):

Women's Health and Genetics/Laboratory Corporation of America, LabCorp
Classification: Uncertain significance. Last evaluated: 2024-10-06. Review status: criteria provided, single submitter. Criteria: LabCorp Variant Classification Summary - May 2015. Collection method: clinical testing. Allele origin: germline.

Labcorp Genetics (formerly Invitae), Labcorp
Classification: Uncertain significance. Last evaluated: 2024-05-15. Review status: criteria provided, single submitter. Criteria: Invitae Variant Classification Sherloc (09022015). Collection method: clinical testing. Allele origin: germline.
Comment: This sequence change falls in intron 3 of the NDUFV1 gene. It does not directly change the encoded amino acid sequence of the NDUFV1 protein. It affects a nucleotide within the consensus splice site. This variant is present in population databases (rs201414938, gnomAD 0.06%). This variant has not been reported in the literature in individuals affected with NDUFV1-related conditions. ClinVar contains an entry for this variant (Variation ID: 1450018). Variants that disrupt the consensus splice site are a relatively common cause of aberrant splicing (PMID: 17576681, 9536098). Algorithms developed to predict the effect of sequence changes on RNA splicing suggest that this variant is not likely to affect RNA splicing. In summary, the available evidence is currently insufficient to determine the role of this variant in disease. Therefore, it has been classified as a Variant of Uncertain Significance.

Literature cited by the submitters: PubMed 17576681 (cited by Labcorp Genetics (formerly Invitae), Labcorp); PubMed 9536098 (cited by Labcorp Genetics (formerly Invitae), Labcorp).

NM_007103.4(NDUFV1):c.326+3G>A

Gene: NDUFV1 (NADH:ubiquinone oxidoreductase core subunit V1; plus strand). Cytogenetic location: 11q13.2.
Variant type: single nucleotide variant.
Coding change: c.326+3G>A on transcript NM_007103.4 (MANE Select); 3 bases into the intron after coding-DNA position 326, G replaced by A.
Molecular consequence: intron variant.
Genome position (GRCh38, 1-based): chr11:67,608,725, G>A. VCF-style: chr11-67608725-G-A. GRCh37 (hg19) VCF-style: chr11-67376196-G-A.
Other names: c.299+3G>A (NM_001166102.2).
Identifiers: ClinVar variation 1450018 (VCV001450018.6), dbSNP rs201414938, ClinGen allele CA6143131.